The following is an entry in ClinVar:

NM_001387283.1(SMARCA4):c.4259C>G (p.Ala1420Gly)

Gene: SMARCA4 (SWI/SNF related BAF chromatin remodeling complex subunit ATPase 4; plus strand). Cytogenetic location: 19p13.2.
Variant type: single nucleotide variant.
Coding change: c.4259C>G on transcript NM_001387283.1 (MANE Plus Clinical); coding-DNA position 4259, C replaced by G.
Protein change: p.Ala1420Gly; replaces alanine 1420 with glycine.
Molecular consequence: missense variant. On other transcripts: intron variant (7).
Genome position (GRCh38, 1-based): chr19:11,039,546, C>G. VCF-style: chr19-11039546-C-G. GRCh37 (hg19) VCF-style: chr19-11150222-C-G.
Other names: c.4259C>G, p.Ala1420Gly (NM_001128849.3); c.4171-1761C>G (NM_001128844.3, NM_003072.5); c.4072-1761C>G (NM_001128847.4, NM_001374457.1, NM_001128848.2); c.4072-1752C>G (NM_001128845.2, NM_001128846.2); short protein forms A1420G.
Identifiers: ClinVar variation 480648 (VCV000480648.13), dbSNP rs200525458, ClinGen allele CA9204643.

ClinVar aggregate classification (germline): Conflicting classifications of pathogenicity. Review status: criteria provided, conflicting classifications (1 of 4 stars). 3 submissions from 3 submitters: Uncertain significance (2); Likely benign (1). Last evaluated 2025-08-14.

Conditions:
Hereditary cancer-predisposing syndrome. Also called: Hereditary Cancer Syndrome; Neoplastic Syndromes, Hereditary; Tumor predisposition; Hereditary neoplastic syndrome. Identifiers: Orphanet 140162, MedGen C0027672, MeSH D009386, MONDO:0015356.
Rhabdoid tumor predisposition syndrome 2 (RTPS2). Identifiers: Orphanet 231108, Orphanet 69077, MedGen C2750074, MONDO:0013224, OMIM 613325.

Allele frequency attached by ClinVar (database versions not stated): gnomAD 0.00001; TOPMed 0.00001; 1000 Genomes Project 30x 0.00016; 1000 Genomes Project 0.00020.
gnomAD v4.1: 2 of 1,593,736 alleles (0.00013%); highest among the groups gnomAD compares: East Asian, 0.0023%; no homozygotes.

Submissions (3):

Ambry Genetics
Classification: Likely benign for Hereditary cancer-predisposing syndrome. Last evaluated: 2025-08-14. Review status: criteria provided, single submitter. Criteria: Ambry Variant Classification Scheme 2023. Collection method: clinical testing. Allele origin: germline.

Labcorp Genetics (formerly Invitae), Labcorp
Classification: Uncertain significance for Rhabdoid tumor predisposition syndrome 2. Last evaluated: 2025-01-14. Review status: criteria provided, single submitter. Criteria: Invitae Variant Classification Sherloc (09022015). Collection method: clinical testing. Allele origin: germline.
Comment: This sequence change replaces alanine, which is neutral and non-polar, with glycine, which is neutral and non-polar, at codon 1420 of the SMARCA4 protein (p.Ala1420Gly). This variant is not present in population databases (gnomAD no frequency). This variant has not been reported in the literature in individuals affected with SMARCA4-related conditions. ClinVar contains an entry for this variant (Variation ID: 480648). An algorithm developed to predict the effect of missense changes on protein structure and function (PolyPhen-2) suggests that this variant¬†is likely to be tolerated. Algorithms developed to predict the effect of sequence changes on RNA splicing suggest that this variant may disrupt the consensus splice site. In summary, the available evidence is currently insufficient to determine the role of this variant in disease. Therefore, it has been classified as a Variant of Uncertain Significance.

GeneDx
Classification: Uncertain significance. Last evaluated: 2024-08-07. Review status: criteria provided, single submitter. Criteria: GeneDx Variant Classification Process June 2021. Collection method: clinical testing. Allele origin: germline. Affected: yes.
Comment: In silico analysis supports that this missense variant has a deleterious effect on protein structure/function; Has not been previously published as pathogenic or benign to our knowledge